The following is an entry in ClinVar:

NM_005633.4(SOS1):c.3799C>T (p.His1267Tyr)

Gene: SOS1 (SOS Ras/Rac guanine nucleotide exchange factor 1; minus strand). Cytogenetic location: 2p22.1.
Variant type: single nucleotide variant.
Coding change: c.3799C>T on transcript NM_005633.4 (MANE Select); coding-DNA position 3799, C replaced by T.
Protein change: p.His1267Tyr; replaces histidine 1267 with tyrosine.
Molecular consequence: missense variant.
Genome position (GRCh38, 1-based): chr2:38,986,027, G>A on the plus strand (C>T on the coding strand, the complement: SOS1 is on the minus strand). VCF-style: chr2-38986027-G-A. GRCh37 (hg19) VCF-style: chr2-39213168-G-A.
Other names: c.3778C>T, p.His1260Tyr (NM_001382394.1); c.3754C>T, p.His1252Tyr (NM_001382395.1); short protein forms H1252Y, H1260Y, H1267Y.
Identifiers: ClinVar variation 1986182 (VCV001986182.6), dbSNP rs2528870506, ClinGen allele CA346362293.
Genomic context (GRCh38, chr2:38,986,027, plus strand): 5'-TGGAATGAAGGTCCACTTCTTGTGTCAATGGTGGTGATGGCAGATGCCTTCTTGTGCCGT[G>A]AGGAGAAGGTGTTTGAGGAGGAGGTGGTGTAAAGGGGGAAGGGCTGTTTGGGAAGAAGGC-3'
Protein context (NP_005624.2, residues 1257-1277): TPPPPQTPSP[His1267Tyr]GTRRHLPSPP

ClinVar aggregate classification (germline): Uncertain significance. Review status: criteria provided, multiple submitters, no conflicts (2 of 4 stars). 2 submissions from 2 submitters: Uncertain significance (2). Last evaluated 2022-12-06.

Conditions:
Cardiovascular phenotype. Identifiers: MedGen CN230736.
RASopathy. Also called: rasopathies; Noonan spectrum disorder. Identifiers: Orphanet 536391, MedGen C5555857, MONDO:0021060.

Allele frequency attached by ClinVar (database versions not stated): gnomAD exomes below 0.00001.
gnomAD v4.1: 1 of 1,613,972 alleles (0.000062%); highest among the groups gnomAD compares: South Asian, 0.0011%; no homozygotes.

Submissions (2):

Ambry Genetics
Classification: Uncertain significance for Cardiovascular phenotype. Last evaluated: 2022-12-06. Review status: criteria provided, single submitter. Criteria: Ambry Variant Classification Scheme 2023. Collection method: clinical testing. Allele origin: germline.
Comment: The p.H1267Y variant (also known as c.3799C>T), located in coding exon 23 of the SOS1 gene, results from a C to T substitution at nucleotide position 3799. The histidine at codon 1267 is replaced by tyrosine, an amino acid with similar properties. This amino acid position is conserved. In addition, this alteration is predicted to be tolerated by in silico analysis. Since supporting evidence is limited at this time, the clinical significance of this alteration remains unclear.

Labcorp Genetics (formerly Invitae), Labcorp
Classification: Uncertain significance for RASopathy. Last evaluated: 2022-07-11. Review status: criteria provided, single submitter. Criteria: Invitae Variant Classification Sherloc (09022015). Collection method: clinical testing. Allele origin: germline.
Comment: In summary, the available evidence is currently insufficient to determine the role of this variant in disease. Therefore, it has been classified as a Variant of Uncertain Significance. Algorithms developed to predict the effect of missense changes on protein structure and function (SIFT, PolyPhen-2, Align-GVGD) all suggest that this variant is likely to be tolerated. This variant has not been reported in the literature in individuals affected with SOS1-related conditions. This variant is not present in population databases (gnomAD no frequency). This sequence change replaces histidine, which is basic and polar, with tyrosine, which is neutral and polar, at codon 1267 of the SOS1 protein (p.His1267Tyr).